The following is an entry in ClinVar:

ClinVar aggregate classification (germline): Uncertain significance (1 of 4 stars; one submission).

Submission:

Labcorp Genetics (formerly Invitae), Labcorp
Classification: Uncertain significance. Last evaluated: 2024-03-26. Review status: criteria provided, single submitter. Criteria: Invitae Variant Classification Sherloc (09022015). Collection method: clinical testing. Allele origin: germline.
Comment: This sequence change replaces glutamine, which is neutral and polar, with arginine, which is basic and polar, at codon 297 of the HOXA13 protein (p.Gln297Arg). This variant is present in population databases (rs752926093, gnomAD 0.002%). This variant has not been reported in the literature in individuals affected with HOXA13-related conditions. Advanced modeling of protein sequence and biophysical properties (such as structural, functional, and spatial information, amino acid conservation, physicochemical variation, residue mobility, and thermodynamic stability) performed at Invitae indicates that this missense variant is not expected to disrupt HOXA13 protein function with a negative predictive value of 80%. In summary, the available evidence is currently insufficient to determine the role of this variant in disease. Therefore, it has been classified as a Variant of Uncertain Significance.

NM_000522.5(HOXA13):c.890A>G (p.Gln297Arg)

Genes: HOXA13 (homeobox A13; minus strand), LOC107126288 (NUP98-HOXA13 recombination region; plus strand). Cytogenetic location: 7p15.2.
Variant type: single nucleotide variant.
Coding change: c.890A>G on transcript NM_000522.5 (MANE Select); coding-DNA position 890, A replaced by G.
Protein change: p.Gln297Arg; replaces glutamine 297 with arginine.
Molecular consequence: missense variant.
Genome position (GRCh38, 1-based): chr7:27,199,188, T>C on the plus strand (A>G on the coding strand, the complement: HOXA13 is on the minus strand). VCF-style: chr7-27199188-T-C. GRCh37 (hg19) VCF-style: chr7-27238807-T-C.
Other names: short protein forms Q297R.
Identifiers: ClinVar variation 3647712 (VCV003647712.2).
Genomic context (GRCh38, chr7:27,199,188, plus strand): 5'-CCAGGGCTGGGAATAGGTCGTCATTTACCGGGCAGAGTGGACTTCCAGAGGTGGGGAGGC[T>C]GCGCCTGCTCTTTGGGGCAGTACATTTGGCCGTTCCAGCCGTTGGGCAGCGCCCAGGGCT-3'
Protein context (NP_000513.2, residues 287-307): GQMYCPKEQA[Gln297Arg]PPHLWKSTLP